The following is an entry in ClinVar:

ClinVar aggregate classification (germline): Pathogenic (1 of 4 stars; one submission).

Conditions:
Retinoblastoma (RB1). Also called: RETINOBLASTOMA, SOMATIC. Identifiers: Orphanet 790, MedGen C0035335, MeSH D012175, MONDO:0008380, OMIM 180200, HP:0009919. Disease mechanism: loss of function. Inheritance: Both sporadic and heritable forms are tested..

Submission:

Genetic Diagnostic Laboratory, University of Pennsylvania School of Medicine
Classification: Pathogenic for Retinoblastoma. Last evaluated: 2024-05-20. Review status: criteria provided, single submitter. Criteria: ACMG Guidelines, 2015. Collection method: clinical testing. Allele origin: germline. Affected: yes. Observed: 1 variant allele.
Comment: Case and Pedigree Information: BILATERAL CASES:1, UNILATERAL CASES:0, TOTAL CASES:1, PEDIGREES:1. ACMG Codes Applied:PVS1, PM2

NM_000321.3(RB1):c.2482_2483insTTGG (p.Arg828fs)

Gene: RB1 (RB transcriptional corepressor 1; plus strand). Cytogenetic location: 13q14.2.
Variant type: Insertion.
Coding change: c.2482_2483insTTGG on transcript NM_000321.3 (MANE Select); coding-DNA positions 2482 to 2483, TTGG inserted.
Protein change: p.Arg828fs; shifts the reading frame from arginine 828.
Molecular consequence: frameshift variant.
Genome position: GRCh38 VCF-style: chr13-48465361-A-ATTGG. GRCh37 (hg19) VCF-style: chr13-49039497-A-ATTGG.
Other names: c.2482_2483insTTGG, p.Arg828fs (NM_001407165.1); short protein forms R828fs.
Identifiers: ClinVar variation 3237099 (VCV003237099.1), dbSNP rs2542376200.